The following is an entry in ClinVar:

ClinVar aggregate classification (germline): Uncertain significance. Review status: reviewed by expert panel (3 of 4 stars). 7 submissions from 7 submitters: Uncertain significance (1). 6 of the submissions do not count toward it. Last evaluated 2025-04-28.

Conditions:
Inborn genetic diseases. Identifiers: MedGen C0950123, MeSH D030342.
Cerebral creatine deficiency syndrome. Also called: Creatine deficiency syndromes. Identifiers: Orphanet 79172, MedGen C5244016, MONDO:0000456.
Deficiency of guanidinoacetate methyltransferase (CCDS2). Also called: CEREBRAL CREATINE DEFICIENCY SYNDROME 2; GAMT DEFICIENCY; Guanidinoacetate Methyltransferase (GAMT) Deficiency. Identifiers: Orphanet 382, MedGen C0574080, MONDO:0012999, OMIM 612736.

Allele frequency attached by ClinVar (database versions not stated): gnomAD exomes 0.00009 and 0.00014; gnomAD 0.00010 and 0.00011; ESP Exome Variant Server 0.00015; 1000 Genomes Project 30x 0.00016; TOPMed 0.00016; ExAC 0.00010; 1000 Genomes Project 0.00020.
gnomAD v4.1: 214 of 1,611,156 alleles (0.013%); highest among the groups gnomAD compares: Non-Finnish European, 0.017%; no homozygotes.

Submissions (7):

ClinGen Cerebral Creatine Deficiency Syndromes Variant Curation Expert Panel, ClinGen
Classification: Uncertain significance for Deficiency of guanidinoacetate methyltransferase. Last evaluated: 2025-04-28. Review status: reviewed by expert panel. Criteria: ClinGen CCDS ACMG Specifications GAMT V2.0.0. Collection method: curation. Allele origin: germline. Inheritance: Autosomal recessive inheritance.
Comment: The NM_000156.6:c.707G>C (p.Gly236Ala) variant in GAMT is a missense variant predicted to cause substitution of glycine by alanine at amino acid 236 (p.Gly236Ala). The highest population minor allele frequency in gnomAD v4.1.0. is 0.0001679 (198/1179492 alleles) in the European non-Finnish population, which is lower than the ClinGen CCDS VCEP's threshold for PM2_Supporting (<0.0004), meeting this criterion (PM2_Supporting). The computational predictor REVEL gives a score of 0.323 which is neither above nor below the thresholds predicting a damaging (>0.644) or benign (<0.29) impact on GAMT function. SpliceAI predicts that the variant has no impact on splicing. To our knowledge, this variant has not been reported in the published literature. This variant is noted in ClinVar (ID 205596). In summary, this variant meets the criteria to be classified as a variant of uncertain significance for GAMT deficiency. GAMT-specific ACMG/AMP codes met, as specified by the ClinGen Cerebral Creatine Deficiency Syndromes VCEP (Specifications Version 2.0.0): PM2_Supporting (Classification approved by the ClinGen CCDS VCEP on April 28, 2025).

Labcorp Genetics (formerly Invitae), Labcorp
Classification: Uncertain significance for Cerebral creatine deficiency syndrome. Last evaluated: 2026-02-02. Review status: criteria provided, single submitter. Criteria: Invitae Variant Classification Sherloc (09022015). Collection method: clinical testing. Allele origin: germline. Not counted in ClinVar's aggregate classification.
Comment: This sequence change replaces glycine, which is neutral and non-polar, with alanine, which is neutral and non-polar, at codon 236 of the GAMT protein (p.Gly236Ala). This variant is present in population databases (rs201029006, gnomAD 0.02%). This variant has not been reported in the literature in individuals affected with GAMT-related conditions. ClinVar contains an entry for this variant (Variation ID: 205596). Invitae Evidence Modeling of protein sequence and biophysical properties (such as structural, functional, and spatial information, amino acid conservation, physicochemical variation, residue mobility, and thermodynamic stability) indicates that this missense variant is not expected to disrupt GAMT protein function with a negative predictive value of 95%. In summary, the available evidence is currently insufficient to determine the role of this variant in disease. Therefore, it has been classified as a Variant of Uncertain Significance.

GeneDx
Classification: Likely benign. Last evaluated: 2021-05-24. Review status: criteria provided, single submitter. Criteria: GeneDx Variant Classification Process June 2021. Collection method: clinical testing. Allele origin: germline. Affected: yes. Not counted in ClinVar's aggregate classification.
Comment: In silico analysis supports that this missense variant does not alter protein structure/function; Has not been previously published as pathogenic or benign to our knowledge

Illumina Laboratory Services, Illumina
Classification: Uncertain significance for Deficiency of guanidinoacetate methyltransferase. Last evaluated: 2018-01-12. Review status: criteria provided, single submitter. Criteria: ICSL Variant Classification Criteria 13 December 2019. Collection method: clinical testing. Allele origin: germline. Not counted in ClinVar's aggregate classification.

Athena Diagnostics
Classification: Uncertain significance. Last evaluated: 2017-09-01. Review status: criteria provided, single submitter. Criteria: Athena Diagnostics Criteria. Collection method: clinical testing. Allele origin: germline. Not counted in ClinVar's aggregate classification.

Ambry Genetics
Classification: Uncertain significance for Inborn genetic diseases. Last evaluated: 2016-10-28. Review status: criteria provided, single submitter. Criteria: Ambry Variant Classification Scheme 2023. Collection method: clinical testing. Allele origin: germline. Not counted in ClinVar's aggregate classification.
Comment: The p.G236A variant (also known as c.707G>C), located in coding exon 6 of the GAMT gene, results from a G to C substitution at nucleotide position 707. The glycine at codon 236 is replaced by alanine, an amino acid with similar properties. This variant was previously reported in the SNPDatabase as rs201029006. Based on data from the 1000 Genomes Project, the C allele has an overall frequency of approximately 0.05% (1/2098) total alleles studied. The highest observed frequency was 0.59% (1/170) British alleles. Based on data from the NHLBI Exome Sequencing Project (ESP), the C allele has an overall frequency of approximately 0.02% (2/12994) total alleles studied and 0.02% (2/8594) European American alleles. This amino acid position is poorly conserved in available vertebrate species. In addition, this alteration is predicted to be tolerated by in silico analysis. Since supporting evidence is limited at this time, the clinical significance of this variant remains unclear.

Natera, Inc.
Classification: Uncertain significance for Guanidinoacetate methyltransferase deficiency. Last evaluated: 2020-01-17. Review status: no assertion criteria provided. Collection method: clinical testing. Allele origin: germline. Not counted in ClinVar's aggregate classification.

NM_000156.6(GAMT):c.707G>C (p.Gly236Ala)

Gene: GAMT (guanidinoacetate N-methyltransferase; minus strand). Cytogenetic location: 19p13.3.
Variant type: single nucleotide variant.
Coding change: c.707G>C on transcript NM_000156.6 (MANE Select); coding-DNA position 707, G replaced by C.
Protein change: p.Gly236Ala; replaces glycine 236 with alanine.
Molecular consequence: missense variant.
Genome position (GRCh38, 1-based): chr19:1,397,363, C>G on the plus strand (G>C on the coding strand, the complement: GAMT is on the minus strand). VCF-style: chr19-1397363-C-G. GRCh37 (hg19) VCF-style: chr19-1397362-C-G.
Other names: p.G236A:GGC>GCC; NM_000156.6(GAMT):c.707G>C; p.Gly236Ala; short protein forms G236A.
Identifiers: ClinVar variation 205596 (VCV000205596.23), dbSNP rs201029006, ClinGen allele CA314836.